The following is an entry in ClinVar:

NM_006005.3(WFS1):c.1673G>A (p.Arg558His)

Gene: WFS1 (wolframin ER transmembrane glycoprotein; plus strand). Cytogenetic location: 4p16.1.
Variant type: single nucleotide variant.
Coding change: c.1673G>A on transcript NM_006005.3 (MANE Select); coding-DNA position 1673, G replaced by A.
Protein change: p.Arg558His; replaces arginine 558 with histidine.
Molecular consequence: missense variant.
Genome position (GRCh38, 1-based): chr4:6,301,468, G>A. VCF-style: chr4-6301468-G-A. GRCh37 (hg19) VCF-style: chr4-6303195-G-A.
Other names: c.1673G>A, p.Arg558His (NM_001145853.1); short protein forms R558H.
Identifiers: ClinVar variation 427051 (VCV000427051.18), dbSNP rs774265764, ClinGen allele CA2839440.
Genomic context (GRCh38, chr4:6,301,468, plus strand): 5'-TCATGTGGTGTGAGCTCTCCGTGGTCATCCTGCTGGAGTCCACCGGCCTGGGGCTGCTCC[G>A]CGCCTCCATCGGCTACTTCCTCTTCCTCTTTGCCCTCCCCATCCTGGTGGCCGGCCTGGC-3'
Protein context (NP_005996.2, residues 548-568): LLESTGLGLL[Arg558His]ASIGYFLFLF

ClinVar aggregate classification (germline): Pathogenic/Likely pathogenic. Review status: criteria provided, multiple submitters, no conflicts (2 of 4 stars). 11 submissions from 11 submitters: Pathogenic (7); Likely pathogenic (4). Last evaluated 2025-11-23.

Conditions:
WFS1-related disorder. Identifiers: MedGen CN379391, MONDO:0700293.
Inborn genetic diseases. Identifiers: MedGen C0950123, MeSH D030342.
Optic atrophy. Identifiers: MedGen C0029124, MONDO:0003608, HP:0000648.
Wolfram-like syndrome. Also called: HEARING LOSS, PROGRESSIVE, WITH OPTIC ATROPHY AND/OR IMPAIRED GLUCOSE REGULATION. Identifiers: Orphanet 411590, MedGen C3280358, MONDO:0013673, OMIM 614296.
Cataract 41 (CTRCT41). Also called: CATARACT 41, CONGENITAL NUCLEAR TYPE. Identifiers: Orphanet 91492, Orphanet 98991, Orphanet 98992, Orphanet 98995, MedGen C3805412, MONDO:0007287, OMIM 116400.
Type 2 diabetes mellitus. Also called: Type II diabetes mellitus. Identifiers: MedGen C0011860, MeSH D003924, MONDO:0005148, OMIM 125853, HP:0005978.
Autosomal dominant nonsyndromic hearing loss 6 (LFSNHL). Also called: DEAFNESS, AUTOSOMAL DOMINANT 6; DEAFNESS, AUTOSOMAL DOMINANT 14; DEAFNESS, AUTOSOMAL DOMINANT 38; Autosomal dominant nonsyndromic deafness 6. Identifiers: Orphanet 90635, MedGen C1833021, MONDO:0010963, OMIM 600965.
Wolfram syndrome 1 (WFS1). Identifiers: Orphanet 3463, MedGen C4551693, MONDO:0009101, OMIM 222300.
Wolfram syndrome. Also called: DIDMOAD (Diabetes Insipidus, Diabetes Mellitus, Optic Atrophy, and Deafness); Diabetes mellitus AND insipidus with optic atrophy AND deafness. Identifiers: Orphanet 3463, MedGen C0043207, MONDO:0018105.

Allele frequency attached by ClinVar (database versions not stated): gnomAD 0.00005; TOPMed 0.00005; ExAC 0.00007; gnomAD exomes 0.00007.
gnomAD v4.1: 124 of 1,612,718 alleles (0.0077%); highest among the groups gnomAD compares: Non-Finnish European, 0.0092%; no homozygotes.

Submissions (11):

Labcorp Genetics (formerly Invitae), Labcorp
Classification: Pathogenic. Last evaluated: 2025-11-23. Review status: criteria provided, single submitter. Criteria: Invitae Variant Classification Sherloc (09022015). Collection method: clinical testing. Allele origin: germline.
Comment: This sequence change replaces arginine, which is basic and polar, with histidine, which is basic and polar, at codon 558 of the WFS1 protein (p.Arg558His). This variant is present in population databases (rs774265764, gnomAD 0.01%). This missense change has been observed in individual(s) with autosomal recessive Wolfram syndrome (PMID: 12754709, 15277431, 31567480). In at least one individual the data is consistent with being in trans (on the opposite chromosome) from a pathogenic variant. ClinVar contains an entry for this variant (Variation ID: 427051). Invitae Evidence Modeling of protein sequence and biophysical properties (such as structural, functional, and spatial information, amino acid conservation, physicochemical variation, residue mobility, and thermodynamic stability) has been performed for this missense variant. However, the output from this modeling did not meet the statistical confidence thresholds required to predict the impact of this variant on WFS1 protein function. For these reasons, this variant has been classified as Pathogenic.

Variantyx, Inc.
Classification: Pathogenic for Wolfram syndrome 1. Last evaluated: 2025-07-15. Review status: criteria provided, single submitter. Criteria: Variantyx Assertion Criteria 2022. Collection method: clinical testing. Allele origin: germline. Inheritance: Autosomal recessive inheritance. Affected: yes.
Comment: This is a nonsynonymous variant in the WFS1 gene (OMIM: 606201). Pathogenic variants in this gene have been associated with autosomal recessive Wolfram syndrome 1. An alternate amino acid change at this position (p.Arg558Cys) has been previously reported in similarly affected individuals, which suggests that this residue is biologically important (PMID: 17568405) (PM5). Multiple computational algorithms predict a deleterious effect for this variant (REVEL score: 0.881) (PP3). Based on the current evidence, this variant is classified as pathogenic for autosomal recessive Wolfram syndrome 1.

Blueprint Genetics
Classification: Pathogenic for WFS1-related disorders. Last evaluated: 2024-10-03. Review status: criteria provided, single submitter. Criteria: ACMG Guidelines, 2015. Collection method: clinical testing. Allele origin: germline. Affected: yes. Observed: 5 variant alleles.

Shanghai Diabetes Institute, Shanghai Sixth People's Hospital Affiliated to Shanghai Jiao Tong University School of Medicine
Classification: Pathogenic for Wolfram syndrome 1. Last evaluated: 2024-09-23. Review status: criteria provided, single submitter. Criteria: ACMG Guidelines, 2015. Collection method: curation. Allele origin: germline. Affected: yes. Observed: 3 variant alleles.
Comment: A total of 12 members from a diabetic family were included in the study, comprising the proband's sister, father, mother, grandfather, grandmother, uncle, aunt, maternal grandfather, maternal grandmother, older maternal uncle, and younger maternal uncle. Clinical data from the study subjects were collected. Whole exome sequencing was used to screen for causative genes and their mutation sites in six members of the family, and the findings were validated by Sanger sequencing. NM_006005.3:c.1673G>A is a missense mutation in the WFS1 gene, which leads to the substitution of arginine (Arg) with histidine (His) at amino acid position 558 (p.R558H). This variant has been reported seven times in ClinVar (Variant ID: 427051), with all reports classifying it as Pathogenic/Likely Pathogenic (PS1), and multiple bioinformatics software predict it to be a damaging variant (PP3). In summary, this variant meets criteria to be classified as pathogenic for Wolfram syndrome based on the ACMG/AMP criteria applied, as specified by PS1, PM1, PM3, PP1, PP3, PP4.

Laboratory of Prof. Karen Avraham, Tel Aviv University
Classification: Pathogenic for Autosomal dominant nonsyndromic hearing loss 6; Wolfram syndrome 1. Last evaluated: 2024-08-20. Review status: criteria provided, single submitter. Criteria: ACMG Guidelines, 2015. Collection method: research. Allele origin: germline. Affected: yes. Observed: 2 variant alleles.
Comment: The p.(Arg558His) variant is a known pathogenic ressesive variant according to ClinVar and Deafness Variation Database.

Ambry Genetics
Classification: Pathogenic for Inborn genetic diseases. Last evaluated: 2024-04-23. Review status: criteria provided, single submitter. Criteria: Ambry Variant Classification Scheme 2023. Collection method: clinical testing. Allele origin: germline.
Comment: The c.1673G>A (p.R558H) alteration is located in exon 8 (coding exon 7) of the WFS1 gene. This alteration results from a G to A substitution at nucleotide position 1673, causing the arginine (R) at amino acid position 558 to be replaced by a histidine (H). for autosomal recessive WFS1-related Wolfram syndrome; however, it is unlikely to be causative of autosomal dominant Wolfram-like syndrome. Based on data from gnomAD, the A allele has an overall frequency of 0.006% (18/282002) total alleles studied. The highest observed frequency was 0.028% (2/7212) of Other alleles. This variant has been identified in the homozygous state and in conjunction with other WFS1 variants in individuals with features consistent with WFS1-related Wolfram syndrome; in at least one instance, the variants were identified in trans (Jauregui, 2023; Areblom, 2023; Majander, 2022; Charif, 2021; Grenier, 2016; Chaussenot, 2015; Cano, 2007; Smith, 2004; Colosimo, 2003). This amino acid position is highly conserved in available vertebrate species. This alteration is predicted to be deleterious by in silico analysis. Based on the available evidence, this alteration is classified as pathogenic.

GeneDx
Classification: Pathogenic. Last evaluated: 2023-10-11. Review status: criteria provided, single submitter. Criteria: GeneDx Variant Classification Process June 2021. Collection method: clinical testing. Allele origin: germline. Affected: yes.
Comment: In silico analysis supports that this missense variant has a deleterious effect on protein structure/function; This variant is associated with the following publications: (PMID: 17568405, 31567480, 27395765, 34426522, 24890733, 33046911, 15277431, 12955714, 12754709, 33841295, 36208030, 35010780, 36227502, 37508961, 36098976, 35469785)

Laboratory for Molecular Medicine, Mass General Brigham Personalized Medicine
Classification: Likely pathogenic for Wolfram syndrome. Last evaluated: 2023-01-04. Review status: criteria provided, single submitter. Criteria: ACMG Guidelines, 2015. Collection method: clinical testing. Allele origin: germline. Inheritance: Autosomal recessive inheritance.
Comment: The p.Arg558His variant in WFS1 has been reported in the compound heterozygous or homozygous state in 5 individuals with Wolfram syndrome and 2 individuals with optic atrophy (Colosimo 2003 PMID: 12754709, Smith 2004 PMID: 15277431, Cano 2007 PMID: 17568405, Grenier 2016 PMID: 27395765, Pan 2019 PMID: 31567480, Bonnefond 2020 PMID: 33046911, Charif 2021 PMID: 33841295, Majander 2022 PMID: 35469785). It has also been identified in 0.01% (2/19954) of East Asian chromosomes and 0.01% (10/129060) of European chromosomes by gnomAD. This variant has also been reported in ClinVar (Variation ID 427051). Computational prediction tools and conservation analyses suggest that this variant may impact the protein, though this information is not predictive enough to determine pathogenicity. Another variant involving this codon (p.Arg558Cys) has been identified in individuals with Wolfram syndrome and is classified as likely pathogenic by this laboratory. In summary, although additional studies are required to fully establish its clinical significance, this variant meets criteria to be classified as likely pathogenic for autosomal recessive Wolfram syndrome. ACMG/AMP Criteria applied: PM3_Strong, PM5_Supporting, PM2_Supporting, PP3.

PreventionGenetics, part of Exact Sciences
Classification: Likely pathogenic for WFS1-related condition. Last evaluated: 2022-10-18. Review status: criteria provided, single submitter. Criteria: ACMG Guidelines, 2015. Collection method: clinical testing. Allele origin: germline.
Comment: The WFS1 c.1673G>A variant is predicted to result in the amino acid substitution p.Arg558His. This variant in the compound heterozygous or homozygous state has been reported in patients with Wolfram syndrome (Colosimo et al. 2003. PubMed ID: 12754709; Smith et al. 2004. PubMed ID: 15277431; Cano et al. 2007. PubMed ID: 17568405; Chaussenot et al. 2015. PubMed ID: 24890733; Pan et al. 2019. PubMed ID: 31567480). This variant is reported in 0.010% of alleles in individuals of East Asian descent in gnomAD. This variant is interpreted as likely pathogenic.

Institute of Human Genetics, Univ. Regensburg, Univ. Regensburg
Classification: Likely pathogenic for Optic atrophy. Last evaluated: 2022-01-01. Review status: criteria provided, single submitter. Criteria: ACMG Guidelines, 2015. Collection method: clinical testing. Allele origin: germline. Affected: yes.

Fulgent Genetics
Classification: Likely pathogenic for Cataract 41; Type 2 diabetes mellitus; Wolfram syndrome 1; Autosomal dominant nonsyndromic hearing loss 6; Wolfram-like syndrome. Last evaluated: 2021-07-13. Review status: criteria provided, single submitter. Criteria: ACMG Guidelines, 2015. Collection method: clinical testing. Allele origin: unknown.

Literature cited by the submitters: PubMed 12754709 (cited by 5 submitters); PubMed 15277431 (cited by 4 submitters); PubMed 31567480 (cited by 4 submitters); PubMed 17568405 (cited by 3 submitters); PubMed 24890733 (cited by Variantyx, Inc. and Ambry Genetics); PubMed 37508961 (cited by Variantyx, Inc. and Ambry Genetics); PubMed 35469785 (cited by 3 submitters); PubMed 37510321 (cited by Variantyx, Inc. and Ambry Genetics); PubMed 33841295 (cited by 4 submitters); PubMed 27395765 (cited by Ambry Genetics and Laboratory for Molecular Medicine, Mass General Brigham Personalized Medicine); PubMed 21446023 (cited by Laboratory for Molecular Medicine, Mass General Brigham Personalized Medicine); PubMed 33046911 (cited by Laboratory for Molecular Medicine, Mass General Brigham Personalized Medicine and Institute of Human Genetics, Univ. Regensburg, Univ. Regensburg); PubMed 34426522 (cited by Institute of Human Genetics, Univ. Regensburg, Univ. Regensburg); PubMed 36208030 (cited by Institute of Human Genetics, Univ. Regensburg, Univ. Regensburg); PubMed 36227502 (cited by Institute of Human Genetics, Univ. Regensburg, Univ. Regensburg); PubMed 36098976 (cited by Institute of Human Genetics, Univ. Regensburg, Univ. Regensburg).